The following is an entry in ClinVar:

NM_015346.4(ZFYVE26):c.4643C>G (p.Ser1548Ter)

Gene: ZFYVE26 (zinc finger FYVE-type containing 26; minus strand). Cytogenetic location: 14q24.1.
Variant type: single nucleotide variant.
Coding change: c.4643C>G on transcript NM_015346.4 (MANE Select); coding-DNA position 4643, C replaced by G.
Protein change: p.Ser1548Ter; replaces serine 1548 with a stop codon.
Molecular consequence: nonsense.
Genome position (GRCh38, 1-based): chr14:67,780,272, G>C on the plus strand (C>G on the coding strand, the complement: ZFYVE26 is on the minus strand). VCF-style: chr14-67780272-G-C. GRCh37 (hg19) VCF-style: chr14-68246989-G-C.
Other names: short protein forms S1548*.
Identifiers: ClinVar variation 651290 (VCV000651290.7), dbSNP rs1594910045, ClinGen allele CA390169348.
Genomic context (GRCh38, chr14:67,780,272, plus strand): 5'-AAGGGGAACACCACCCAGGAAAACGGTACCTGTGCTTCTAGAATCATGTTCATGACAGTT[G>C]ATGGGTCCTCAACACAACAGCTCCTCAAGGTCTGCCAGTCACACCACACTGGGGGAGACT-3'

ClinVar aggregate classification (germline): Pathogenic (1 of 4 stars; one submission).

Conditions:
Spastic paraplegia. Identifiers: MedGen C0037772, HP:0001258.

Allele frequency attached by ClinVar (database versions not stated): gnomAD exomes below 0.00001.
gnomAD v4.1: 2 of 1,614,008 alleles (0.00012%); highest among the groups gnomAD compares: Non-Finnish European, 0.00017%; no homozygotes.

Submission:

Labcorp Genetics (formerly Invitae), Labcorp
Classification: Pathogenic for Spastic paraplegia. Last evaluated: 2022-07-05. Review status: criteria provided, single submitter. Criteria: Invitae Variant Classification Sherloc (09022015). Collection method: clinical testing. Allele origin: germline.
Comment: This sequence change creates a premature translational stop signal (p.Ser1548*) in the ZFYVE26 gene. It is expected to result in an absent or disrupted protein product. Loss-of-function variants in ZFYVE26 are known to be pathogenic (PMID: 18394578, 19805727). For these reasons, this variant has been classified as Pathogenic. ClinVar contains an entry for this variant (Variation ID: 651290). This variant has not been reported in the literature in individuals affected with ZFYVE26-related conditions. This variant is not present in population databases (gnomAD no frequency).

Literature cited by the submitters: PubMed 18394578; PubMed 19805727.